The following is an entry in ClinVar:

ClinVar aggregate classification (germline): Uncertain significance. Review status: criteria provided, multiple submitters, no conflicts (2 of 4 stars). 3 submissions from 3 submitters: Uncertain significance (3). Last evaluated 2025-04-11.

Conditions:
Inborn genetic diseases. Identifiers: MedGen C0950123, MeSH D030342.

Allele frequency attached by ClinVar (database versions not stated): ExAC 0.00002; gnomAD 0.00003; TOPMed 0.00006.
gnomAD v4.1: 7 of 1,613,832 alleles (0.00043%); highest among the groups gnomAD compares: African/African-American, 0.0053%; no homozygotes.

Submissions (3):

Ambry Genetics
Classification: Uncertain significance for Inborn genetic diseases. Last evaluated: 2025-04-11. Review status: criteria provided, single submitter. Criteria: Ambry Variant Classification Scheme 2023. Collection method: clinical testing. Allele origin: germline.

Labcorp Genetics (formerly Invitae), Labcorp
Classification: Uncertain significance. Last evaluated: 2022-09-14. Review status: criteria provided, single submitter. Criteria: Invitae Variant Classification Sherloc (09022015). Collection method: clinical testing. Allele origin: germline.
Comment: This sequence change replaces aspartic acid, which is acidic and polar, with glycine, which is neutral and non-polar, at codon 1049 of the CDH23 protein (p.Asp1049Gly). This variant is present in population databases (rs752395991, gnomAD 0.01%). This variant has not been reported in the literature in individuals affected with CDH23-related conditions. ClinVar contains an entry for this variant (Variation ID: 1677360). Advanced modeling of protein sequence and biophysical properties (such as structural, functional, and spatial information, amino acid conservation, physicochemical variation, residue mobility, and thermodynamic stability) performed at Invitae indicates that this missense variant is not expected to disrupt CDH23 protein function. Algorithms developed to predict the effect of sequence changes on RNA splicing suggest that this variant may create or strengthen a splice site. In summary, the available evidence is currently insufficient to determine the role of this variant in disease. Therefore, it has been classified as a Variant of Uncertain Significance.

AiLife Diagnostics
Classification: Uncertain significance. Last evaluated: 2021-07-19. Review status: criteria provided, single submitter. Criteria: ACMG Guidelines, 2015. Collection method: clinical testing. Allele origin: germline. Affected: yes. Observed: 1 variant allele.

NM_022124.6(CDH23):c.3146A>G (p.Asp1049Gly)

Gene: CDH23 (cadherin related 23; plus strand). Cytogenetic location: 10q22.1.
Variant type: single nucleotide variant.
Coding change: c.3146A>G on transcript NM_022124.6 (MANE Select); coding-DNA position 3146, A replaced by G.
Protein change: p.Asp1049Gly; replaces aspartic acid 1049 with glycine.
Molecular consequence: missense variant.
Genome position (GRCh38, 1-based): chr10:71,709,137, A>G. VCF-style: chr10-71709137-A-G. GRCh37 (hg19) VCF-style: chr10-73468894-A-G.
Other names: c.3146A>G, p.Asp1049Gly (NM_001171930.2); c.3146A>G (NM_022124.5); short protein forms D1049G.
Identifiers: ClinVar variation 1677360 (VCV001677360.4), dbSNP rs752395991, ClinGen allele CA5544494.
Genomic context (GRCh38, chr10:71,709,137, plus strand): 5'-CTTCCTCTCCTTCACCCACAGGTGGCAACGTGGATGGGAAGTTCAGCGTGGGTTACCGCG[A>G]TGCCGTTGTGAGAACCGTGGTGGGCCTGGACCGGGAGACCACAGCCGCCTACATGCTCAT-3'
Protein context (NP_071407.4, residues 1039-1059): VDGKFSVGYR[Asp1049Gly]AVVRTVVGLD